The following is an entry in ClinVar:

NM_000039.3(APOA1):c.67C>T (p.Gln23Ter)

Genes: APOA1 (apolipoprotein A1; minus strand), APOA1-AS (APOA1 antisense RNA; plus strand). Cytogenetic location: 11q23.3.
Variant type: single nucleotide variant.
Coding change: c.67C>T on transcript NM_000039.3 (MANE Select); coding-DNA position 67, C replaced by T.
Protein change: p.Gln23Ter; replaces glutamine 23 with a stop codon.
Molecular consequence: nonsense. On other transcripts: 5 prime UTR variant (1), intron variant (2).
Genome position (GRCh38, 1-based): chr11:116,837,134, G>A on the plus strand (C>T on the coding strand, the complement: APOA1 is on the minus strand). VCF-style: chr11-116837134-G-A. GRCh37 (hg19) VCF-style: chr11-116707850-G-A.
Other names: c.67C>T, p.Gln23Ter (NM_001318017.2, NM_001318018.2, NM_001425090.1 and 1 more transcripts); c.-261C>T (NM_001425092.1); c.-128+211C>T (NM_001425091.1); c.-240-21C>T (NM_001318021.2); short protein forms Q23*.
Identifiers: ClinVar variation 17924 (VCV000017924.13), dbSNP rs387906570, ClinGen allele CA127571.

ClinVar aggregate classification (germline): Pathogenic. Review status: criteria provided, multiple submitters, no conflicts (2 of 4 stars). 4 submissions from 4 submitters: Pathogenic (3). 1 of the submissions does not count toward it. Last evaluated 2024-10-22.

Conditions:
Hypoalphalipoproteinemia, primary, 2. Also called: HIGH DENSITY LIPOPROTEIN DEFICIENCY; HYPOALPHALIPOPROTEINEMIA, PRIMARY, 2, AUTOSOMAL RECESSIVE. Identifiers: MedGen C5551172, MONDO:0032766, OMIM 618463.
APOA1-related disorder. Also called: APOA1-related condition.

Allele frequency attached by ClinVar (database versions not stated): gnomAD exomes below 0.00001.
gnomAD v4.1: 2 of 1,613,038 alleles (0.00012%); highest among the groups gnomAD compares: Middle Eastern, 0.017%; no homozygotes.

Submissions (4):

Labcorp Genetics (formerly Invitae), Labcorp
Classification: Pathogenic. Last evaluated: 2024-10-22. Review status: criteria provided, single submitter. Criteria: Invitae Variant Classification Sherloc (09022015). Collection method: clinical testing. Allele origin: germline.
Comment: This sequence change creates a premature translational stop signal (p.Gln23*) in the APOA1 gene. It is expected to result in an absent or disrupted protein product. Loss-of-function variants in APOA1 are known to be pathogenic (PMID: 7583566, 7981179, 8282791). This variant is not present in population databases (gnomAD no frequency). This premature translational stop signal has been observed in individuals with apolipoprotein A-I (apo A-I) deficiency (PMID: 8282791, 25341944). This variant is also known as Q[-2]X. ClinVar contains an entry for this variant (Variation ID: 17924). For these reasons, this variant has been classified as Pathogenic.

Blueprint Genetics
Classification: Pathogenic for APOA1-related disorders. Last evaluated: 2023-03-13. Review status: criteria provided, single submitter. Criteria: ACMG Guidelines, 2015. Collection method: clinical testing. Allele origin: germline. Affected: yes. Observed: 3 variant alleles.

Revvity Omics, Revvity
Classification: Pathogenic. Last evaluated: 2022-11-28. Review status: criteria provided, single submitter. Criteria: ACMG Guidelines, 2015. Collection method: clinical testing. Allele origin: germline.

OMIM
Classification: Pathogenic for HYPOALPHALIPOPROTEINEMIA, PRIMARY, 2. Last evaluated: 1994-01-01. Review status: no assertion criteria provided. Collection method: literature only. Allele origin: germline. Not counted in ClinVar's aggregate classification.

Literature cited by the submitters: PubMed 7583566 (cited by Labcorp Genetics (formerly Invitae), Labcorp); PubMed 7981179 (cited by Labcorp Genetics (formerly Invitae), Labcorp); PubMed 8282791 (cited by Labcorp Genetics (formerly Invitae), Labcorp and OMIM); PubMed 25341944 (cited by Labcorp Genetics (formerly Invitae), Labcorp).